The following is an entry in ClinVar:

ClinVar aggregate classification (germline): Uncertain significance (1 of 4 stars; one submission).

Allele frequency attached by ClinVar (database versions not stated): gnomAD 0.00001; gnomAD exomes 0.00001; TOPMed 0.00001; ExAC 0.00002; ESP Exome Variant Server 0.00008.

Submission:

Labcorp Genetics (formerly Invitae), Labcorp
Classification: Uncertain significance. Last evaluated: 2024-02-17. Review status: criteria provided, single submitter. Criteria: Invitae Variant Classification Sherloc (09022015). Collection method: clinical testing. Allele origin: germline.
Comment: This variant, c.598_606del, results in the deletion of 3 amino acid(s) of the TM4SF20 protein (p.Ile200_Glu202del), but otherwise preserves the integrity of the reading frame. This variant is present in population databases (rs749661328, gnomAD 0.003%). This variant has not been reported in the literature in individuals affected with TM4SF20-related conditions. ClinVar contains an entry for this variant (Variation ID: 1349656). Experimental studies and prediction algorithms are not available or were not evaluated, and the functional significance of this variant is currently unknown. In summary, the available evidence is currently insufficient to determine the role of this variant in disease. Therefore, it has been classified as a Variant of Uncertain Significance.

NM_024795.4(TM4SF20):c.598_606del (p.Ile200_Glu202del)

Gene: TM4SF20 (transmembrane 4 L six family member 20; minus strand). Cytogenetic location: 2q36.3.
Variant type: Deletion.
Coding change: c.598_606del on transcript NM_024795.4 (MANE Select); coding-DNA positions 598 to 606, 9 bases deleted (ATTCTGGAG; older notation c.598_606delATTCTGGAG).
Protein change: p.Ile200_Glu202del.
Molecular consequence: inframe deletion.
Genome position (GRCh38, 1-based): chr2:227,363,808-227,363,816, CTCCAGAAT deleted on the plus strand (ATTCTGGAG on the coding strand, the reverse complement: TM4SF20 is on the minus strand). VCF-style (leftmost placement, unchanged base first): chr2-227363807-CCTCCAGAAT-C. GRCh37 (hg19) VCF-style: chr2-228228523-CCTCCAGAAT-C.
Identifiers: ClinVar variation 1349656 (VCV001349656.8), dbSNP rs749661328, ClinGen allele CA2148149.